The following is an entry in ClinVar:

NM_000022.4(ADA):c.152G>A (p.Gly51Asp)

Genes: ADA (adenosine deaminase; minus strand), LOC107303343 (adenosine deaminase intronic regulatory elements; plus strand). Cytogenetic location: 20q13.12.
Variant type: single nucleotide variant.
Coding change: c.152G>A on transcript NM_000022.4 (MANE Select); coding-DNA position 152, G replaced by A.
Protein change: p.Gly51Asp; replaces glycine 51 with aspartic acid.
Molecular consequence: missense variant. On other transcripts: 5 prime UTR variant (1), non-coding transcript variant (1).
Genome position (GRCh38, 1-based): chr20:44,629,113, C>T on the plus strand (G>A on the coding strand, the complement: ADA is on the minus strand). VCF-style: chr20-44629113-C-T. GRCh37 (hg19) VCF-style: chr20-43257754-C-T.
Other names: c.-138G>A (NM_001322050.2); c.152G>A, p.Gly51Asp (NM_001322051.2); short protein forms G51D.
Identifiers: ClinVar variation 3667170 (VCV003667170.2).

ClinVar aggregate classification (germline): Uncertain significance (1 of 4 stars; one submission).

Conditions:
Severe combined immunodeficiency, autosomal recessive, T cell-negative, B cell-negative, NK cell-negative, due to adenosine deaminase deficiency. Also called: ADA-SCID; SCID DUE TO ADA DEFICIENCY; SCID DUE TO ADA DEFICIENCY, EARLY-ONSET; ADA deficiency; Adenosine deaminase deficient severe combined immunodeficiency; Severe combined immunodeficiency due to ADA deficiency. Identifiers: Orphanet 277, MedGen C0392607, MONDO:0007064, OMIM 102700.

Submission:

Labcorp Genetics (formerly Invitae), Labcorp
Classification: Uncertain significance for Severe combined immunodeficiency, autosomal recessive, T cell-negative, B cell-negative, NK cell-negative, due to adenosine deaminase deficiency. Last evaluated: 2024-12-08. Review status: criteria provided, single submitter. Criteria: Invitae Variant Classification Sherloc (09022015). Collection method: clinical testing. Allele origin: germline.
Comment: This sequence change replaces glycine, which is neutral and non-polar, with aspartic acid, which is acidic and polar, at codon 51 of the ADA protein (p.Gly51Asp). This variant is not present in population databases (gnomAD no frequency). This variant has not been reported in the literature in individuals affected with ADA-related conditions. Invitae Evidence Modeling of protein sequence and biophysical properties (such as structural, functional, and spatial information, amino acid conservation, physicochemical variation, residue mobility, and thermodynamic stability) indicates that this missense variant is not expected to disrupt ADA protein function with a negative predictive value of 80%. In summary, the available evidence is currently insufficient to determine the role of this variant in disease. Therefore, it has been classified as a Variant of Uncertain Significance.